The following is an entry in ClinVar:

ClinVar aggregate classification (germline): Uncertain significance (1 of 4 stars; one submission).

Allele frequency attached by ClinVar (database versions not stated): gnomAD exomes 0.00001.
gnomAD v4.1: 14 of 1,551,352 alleles (0.0009%); highest among the groups gnomAD compares: South Asian, 0.0036%; no homozygotes.

Submission:

Labcorp Genetics (formerly Invitae), Labcorp
Classification: Uncertain significance. Last evaluated: 2022-04-12. Review status: criteria provided, single submitter. Criteria: Invitae Variant Classification Sherloc (09022015). Collection method: clinical testing. Allele origin: germline.
Comment: This variant is present in population databases (no rsID available, gnomAD 0.002%). This sequence change replaces methionine, which is neutral and non-polar, with valine, which is neutral and non-polar, at codon 397 of the CPLANE1 protein (p.Met397Val). This variant has not been reported in the literature in individuals affected with CPLANE1-related conditions. In summary, the available evidence is currently insufficient to determine the role of this variant in disease. Therefore, it has been classified as a Variant of Uncertain Significance. Algorithms developed to predict the effect of sequence changes on RNA splicing suggest that this variant may create or strengthen a splice site. Advanced modeling of protein sequence and biophysical properties (such as structural, functional, and spatial information, amino acid conservation, physicochemical variation, residue mobility, and thermodynamic stability) performed at Invitae indicates that this missense variant is not expected to disrupt CPLANE1 protein function.

NM_001384732.1(CPLANE1):c.1189A>G (p.Met397Val)

Gene: CPLANE1 (ciliogenesis and planar polarity effector complex subunit 1; minus strand). Cytogenetic location: 5p13.2.
Variant type: single nucleotide variant.
Coding change: c.1189A>G on transcript NM_001384732.1 (MANE Select); coding-DNA position 1189, A replaced by G.
Protein change: p.Met397Val; replaces methionine 397 with valine.
Molecular consequence: missense variant.
Genome position (GRCh38, 1-based): chr5:37,227,750, T>C on the plus strand (A>G on the coding strand, the complement: CPLANE1 is on the minus strand). VCF-style: chr5-37227750-T-C. GRCh37 (hg19) VCF-style: chr5-37227852-T-C.
Other names: c.1189A>G, p.Met397Val (NM_023073.4); short protein forms M397V.
Identifiers: ClinVar variation 1958722 (VCV001958722.5), dbSNP rs1008133189, ClinGen allele CA359506038.